The following is an entry in ClinVar:

ClinVar aggregate classification (germline): Uncertain significance (1 of 4 stars; one submission).

gnomAD v4.1: 2 of 1,613,776 alleles (0.00012%); highest among the groups gnomAD compares: African/African-American, 0.0027%; no homozygotes.

Submission:

GeneDx
Classification: Uncertain significance. Last evaluated: 2024-03-04. Review status: criteria provided, single submitter. Criteria: GeneDx Variant Classification Process June 2021. Collection method: clinical testing. Allele origin: germline. Affected: yes.
Comment: Not observed at significant frequency in large population cohorts (gnomAD); In silico analysis supports that this missense variant does not alter protein structure/function; Has not been previously published as pathogenic or benign to our knowledge

NM_020987.5(ANK3):c.7471C>A (p.Pro2491Thr)

Gene: ANK3 (ankyrin 3; minus strand). Cytogenetic location: 10q21.2.
Variant type: single nucleotide variant.
Coding change: c.7471C>A on transcript NM_020987.5 (MANE Select); coding-DNA position 7471, C replaced by A.
Protein change: p.Pro2491Thr; replaces proline 2491 with threonine.
Molecular consequence: missense variant. On other transcripts: intron variant (4).
Genome position (GRCh38, 1-based): chr10:60,073,410, G>T on the plus strand (C>A on the coding strand, the complement: ANK3 is on the minus strand). VCF-style: chr10-60073410-G-T. GRCh37 (hg19) VCF-style: chr10-61833168-G-T.
Other names: c.4388-5401C>A (NM_001204403.2); c.4409-5401C>A (NM_001204404.2); c.4406-5401C>A (NM_001320874.2); c.1808-5401C>A (NM_001149.4); short protein forms P2491T.
Identifiers: ClinVar variation 3373596 (VCV003373596.1).
Genomic context (GRCh38, chr10:60,073,410, plus strand): 5'-TGGGGGCAGTGGCTATTTTTTCTCTGGACCGCTTATCAGACCCCTGTAACTCTGAGCTAG[G>T]GGGTCCTGCATGGTCTGTAACCGATTCCTCAGTATCAGAATGAGACACATCTAGCTTTTC-3'
Protein context (NP_066267.2, residues 2481-2501): EESVTDHAGP[Pro2491Thr]SSELQGSDKR